The following is an entry in ClinVar:

NM_003482.4(KMT2D):c.10803_10820del (p.Gln3607_Gln3612del)

Gene: KMT2D (lysine methyltransferase 2D; minus strand). Cytogenetic location: 12q13.12.
Variant type: Deletion.
Coding change: c.10803_10820del on transcript NM_003482.4 (MANE Select); coding-DNA positions 10803 to 10820, 18 bases deleted (ACAACAGCAGCAGCAGCA).
Protein change: p.Gln3607_Gln3612del.
Molecular consequence: inframe deletion. On other transcripts: inframe indel (1).
Genome position (GRCh38, 1-based): chr12:49,033,885-49,033,902, TGCTGCTGCTGCTGTTGT deleted on the plus strand (ACAACAGCAGCAGCAGCA on the coding strand, the reverse complement: KMT2D is on the minus strand); deleting any 18 consecutive bases within chr12:49,033,885-49,033,912 gives the same sequence; the c. name uses the placement nearest the transcript's 3' end. VCF-style (leftmost placement, unchanged base first): chr12-49033884-CTGCTGCTGCTGCTGTTGT-C. GRCh37 (hg19) VCF-style: chr12-49427667-CTGCTGCTGCTGCTGTTGT-C.
Other names: c.10803_10820del18 (NM_003482.3).
Identifiers: ClinVar variation 4997531 (VCV004997531.1).

ClinVar aggregate classification (germline): Uncertain significance (1 of 4 stars; one submission).

Conditions:
KMT2D-related disorder. Also called: KMT2D-Related Disorders.

Submission:

PreventionGenetics, part of Exact Sciences
Classification: Uncertain significance for KMT2D-related condition. Last evaluated: 2025-04-16. Review status: criteria provided, single submitter. Criteria: ACMG Guidelines, 2015. Collection method: clinical testing. Allele origin: germline.
Comment: The KMT2D c.10803_10820del18 variant is predicted to result in an in-frame deletion (p.Gln3607_Gln3612del). To our knowledge, this variant has not been reported in the literature or in a large population database (gnomAD), indicating this variant is rare. At this time, the clinical significance of this variant is uncertain due to the absence of conclusive functional and genetic evidence.